The following is an entry in ClinVar:

NM_004336.5(BUB1):c.1290T>C (p.His430=)

Gene: BUB1 (BUB1 mitotic checkpoint serine/threonine kinase; minus strand). Cytogenetic location: 2q13.
Variant type: single nucleotide variant.
Coding change: c.1290T>C on transcript NM_004336.5 (MANE Select); coding-DNA position 1290, T replaced by C.
Protein change: p.His430=; no amino-acid change (histidine 430 retained).
Molecular consequence: synonymous variant.
Genome position (GRCh38, 1-based): chr2:110,658,729, A>G on the plus strand (T>C on the coding strand, the complement: BUB1 is on the minus strand). VCF-style: chr2-110658729-A-G. GRCh37 (hg19) VCF-style: chr2-111416306-A-G.
Other names: c.1230T>C, p.His410= (NM_001278616.2); c.1290T>C, p.His430= (NM_001278617.2).
Identifiers: ClinVar variation 725667 (VCV000725667.11), dbSNP rs141964283, ClinGen allele CA1828110.

ClinVar aggregate classification (germline): Benign/Likely benign. Review status: criteria provided, multiple submitters, no conflicts (2 of 4 stars). 4 submissions from 4 submitters: Benign (1); Likely benign (2). 1 of the submissions does not count toward it. Last evaluated 2025-12-05.

Conditions:
BUB1-related disorder. Also called: BUB1-related condition.

Allele frequency attached by ClinVar (database versions not stated): ESP Exome Variant Server 0.00015; gnomAD 0.00048 and 0.00066; gnomAD exomes 0.00066 and 0.00115; TOPMed 0.00082; ExAC 0.00122; 1000 Genomes Project 30x 0.00265; 1000 Genomes Project 0.00300.
gnomAD v4.1: 1,076 of 1,614,178 alleles (0.067%); highest among the groups gnomAD compares: East Asian, 1.5%; 10 homozygotes.

Submissions (4):

Labcorp Genetics (formerly Invitae), Labcorp
Classification: Benign. Last evaluated: 2025-12-05. Review status: criteria provided, single submitter. Criteria: Invitae Variant Classification Sherloc (09022015). Collection method: clinical testing. Allele origin: germline.

Blueprint Genetics
Classification: Likely benign. Last evaluated: 2024-11-13. Review status: criteria provided, single submitter. Criteria: ACMG Guidelines, 2015. Collection method: clinical testing. Allele origin: germline.

Ambry Genetics
Classification: Likely benign. Last evaluated: 2022-02-12. Review status: criteria provided, single submitter. Criteria: Ambry Variant Classification Scheme 2023. Collection method: clinical testing. Allele origin: germline.

PreventionGenetics, part of Exact Sciences
Classification: Benign for BUB1-related condition. Last evaluated: 2019-05-28. Review status: no assertion criteria provided. Collection method: clinical testing. Allele origin: germline. Not counted in ClinVar's aggregate classification.
Comment: This variant is classified as benign based on ACMG/AMP sequence variant interpretation guidelines (Richards et al. 2015 PMID: 25741868, with internal and published modifications).